The following is an entry in ClinVar:

NM_018297.4(NGLY1):c.1954A>G (p.Ser652Gly)

Gene: NGLY1 (N-glycanase 1; minus strand). Cytogenetic location: 3p24.2.
Variant type: single nucleotide variant.
Coding change: c.1954A>G on transcript NM_018297.4 (MANE Select); coding-DNA position 1954, A replaced by G.
Protein change: p.Ser652Gly; replaces serine 652 with glycine.
Molecular consequence: missense variant. On other transcripts: 3 prime UTR variant (1).
Genome position (GRCh38, 1-based): chr3:25,719,471, T>C on the plus strand (A>G on the coding strand, the complement: NGLY1 is on the minus strand). VCF-style: chr3-25719471-T-C. GRCh37 (hg19) VCF-style: chr3-25760962-T-C.
Other names: c.1900A>G, p.Ser634Gly (NM_001145293.2); c.1828A>G, p.Ser610Gly (NM_001145294.2); c.*99A>G (NM_001145295.2); short protein forms S634G, S610G, S652G.
Identifiers: ClinVar variation 960047 (VCV000960047.5), dbSNP rs1205548216, ClinGen allele CA351893112.

ClinVar aggregate classification (germline): Uncertain significance. Review status: criteria provided, multiple submitters, no conflicts (2 of 4 stars). 2 submissions from 2 submitters: Uncertain significance (2). Last evaluated 2023-11-30.

Conditions:
Congenital disorder of deglycosylation (CDDG). Identifiers: MedGen C3808991, MONDO:0031376.

Allele frequency attached by ClinVar (database versions not stated): gnomAD 0.00001; gnomAD exomes 0.00001; TOPMed 0.00003.
gnomAD v4.1: 6 of 1,613,482 alleles (0.00037%); highest among the groups gnomAD compares: African/African-American, 0.0053%; no homozygotes.

Submissions (2):

GeneDx
Classification: Uncertain significance. Last evaluated: 2023-11-30. Review status: criteria provided, single submitter. Criteria: GeneDx Variant Classification Process June 2021. Collection method: clinical testing. Allele origin: germline. Affected: yes.
Comment: Not observed at significant frequency in large population cohorts (gnomAD); In silico analysis supports that this missense variant does not alter protein structure/function; Has not been previously published as pathogenic or benign to our knowledge

Labcorp Genetics (formerly Invitae), Labcorp
Classification: Uncertain significance for Congenital disorder of deglycosylation. Last evaluated: 2021-08-28. Review status: criteria provided, single submitter. Criteria: Invitae Variant Classification Sherloc (09022015). Collection method: clinical testing. Allele origin: germline.
Comment: This sequence change replaces serine with glycine at codon 652 of the NGLY1 protein (p.Ser652Gly). The serine residue is weakly conserved and there is a small physicochemical difference between serine and glycine. This variant is not present in population databases (ExAC no frequency). This variant has not been reported in the literature in individuals affected with NGLY1-related conditions. Algorithms developed to predict the effect of missense changes on protein structure and function output the following: SIFT: "Tolerated"; PolyPhen-2: "Benign"; Align-GVGD: "Class C0". The glycine amino acid residue is found in multiple mammalian species, which suggests that this missense change does not adversely affect protein function. In summary, the available evidence is currently insufficient to determine the role of this variant in disease. Therefore, it has been classified as a Variant of Uncertain Significance.